The following is an entry in ClinVar:

NM_058216.3(RAD51C):c.141C>T (p.Ser47=)

Gene: RAD51C (RAD51 paralog C; plus strand). Cytogenetic location: 17q22.
Variant type: single nucleotide variant.
Coding change: c.141C>T on transcript NM_058216.3 (MANE Select); coding-DNA position 141, C replaced by T.
Protein change: p.Ser47=; no amino-acid change (serine 47 retained).
Molecular consequence: synonymous variant. On other transcripts: non-coding transcript variant (1).
Genome position (GRCh38, 1-based): chr17:58,692,784, C>T. VCF-style: chr17-58692784-C-T. GRCh37 (hg19) VCF-style: chr17-56770145-C-T.
Other names: c.141C>T, p.Ser47= (NM_002876.4).
Identifiers: ClinVar variation 185138 (VCV000185138.51), dbSNP rs568912602, ClinGen allele CA191134.
Genomic context (GRCh38, chr17:58,692,784, plus strand): 5'-GGTGTCTGCGGGGTTCCAGACTGCTGAGGAACTCCTAGAGGTGAAACCCTCCGAGCTTAG[C>T]AAAGGTAACGACTCCTGATGGCAAGCTGAGGCACACCGGCCGCCGTCAGCGCCGCCTCAG-3'
Protein context (NP_478123.1, residues 37-57): ELLEVKPSEL[Ser47=]KEVGISKAEA

ClinVar aggregate classification (germline): Benign/Likely benign. Review status: criteria provided, multiple submitters, no conflicts (2 of 4 stars). 16 submissions from 15 submitters: Benign (1); Likely benign (12). 3 of the submissions do not count toward it. Last evaluated 2026-03-01.

Conditions:
RAD51C-related disorder. Also called: RAD51C-related condition; RAD51C-related disorders.
Fanconi anemia complementation group O. Also called: RAD51C-Related Fanconi Anemia. Identifiers: Orphanet 84, MedGen C3150653, MONDO:0013248, OMIM 613390.
Breast-ovarian cancer, familial, susceptibility to, 3. Also called: RAD51C-Related Breast/Ovarian Cancer. Identifiers: Orphanet 145, MedGen C3150659, MONDO:0013253, OMIM 613399.
Hereditary cancer-predisposing syndrome. Also called: Tumor predisposition; Neoplastic Syndromes, Hereditary; Hereditary Cancer Syndrome; Hereditary neoplastic syndrome. Identifiers: Orphanet 140162, MedGen C0027672, MeSH D009386, MONDO:0015356.
Hereditary breast ovarian cancer syndrome. Also called: Hereditary breast and ovarian cancer; Hereditary breast and ovarian cancer syndrome (HBOC); Breast and ovarian cancer; Hereditary breast and/or ovarian cancer syndrome; BRCA1- and BRCA2-Associated Hereditary Breast and Ovarian Cancer; Hereditary breast and ovarian cancer syndrome. Identifiers: Orphanet 145, MedGen C0677776, MeSH D061325, MONDO:0003582. Disease mechanism: loss of function.

Allele frequency attached by ClinVar (database versions not stated): gnomAD 0.00002 and 0.00001; TOPMed 0.00003; gnomAD exomes 0.00005 and 0.00006; ExAC 0.00007; 1000 Genomes Project 30x 0.00016; 1000 Genomes Project 0.00020.
gnomAD v4.1: 80 of 1,614,180 alleles (0.005%); highest among the groups gnomAD compares: Middle Eastern, 0.082%; no homozygotes.

Submissions (16):

CeGaT Center for Human Genetics Tuebingen
Classification: Likely benign. Last evaluated: 2026-03-01. Review status: criteria provided, single submitter. Criteria: CeGaT Center For Human Genetics Tuebingen Variant Classification Criteria Version 2. Collection method: clinical testing. Allele origin: germline. Affected: yes. Observed: 5 variant alleles.
Comment: RAD51C: BP4, BP7

PreventionGenetics, part of Exact Sciences
Classification: Likely benign for RAD51C-related condition. Last evaluated: 2026-01-11. Review status: criteria provided, single submitter. Criteria: ACMG Guidelines, 2015. Collection method: clinical testing. Allele origin: germline.
Comment: This variant is classified as likely benign based on ACMG/AMP sequence variant interpretation guidelines (Richards et al. 2015 PMID: 25741868, with internal and published modifications).

Labcorp Genetics (formerly Invitae), Labcorp
Classification: Likely benign for Fanconi anemia complementation group O. Last evaluated: 2026-01-05. Review status: criteria provided, single submitter. Criteria: Invitae Variant Classification Sherloc (09022015). Collection method: clinical testing. Allele origin: germline.

Blueprint Genetics
Classification: Likely benign. Last evaluated: 2024-11-05. Review status: criteria provided, single submitter. Criteria: ACMG Guidelines, 2015. Collection method: clinical testing. Allele origin: germline.

Department of Pathology and Laboratory Medicine, Sinai Health System
Classification: Likely benign for Fanconi anemia complementation group O; Breast-ovarian cancer, familial, susceptibility to, 3. Last evaluated: 2024-10-16. Review status: criteria provided, single submitter. Criteria: ACMG Guidelines, 2015. Collection method: clinical testing. Allele origin: germline.

Women's Health and Genetics/Laboratory Corporation of America, LabCorp
Classification: Likely benign. Last evaluated: 2024-03-28. Review status: criteria provided, single submitter. Criteria: LabCorp Variant Classification Summary - May 2015. Collection method: clinical testing. Allele origin: germline.

Myriad Genetics, Inc.
Classification: Benign for Breast-ovarian cancer, familial, susceptibility to, 3. Last evaluated: 2023-04-05. Review status: criteria provided, single submitter. Criteria: Myriad Autosomal Dominant, Autosomal Recessive and X-Linked Classification Criteria (2023). Collection method: clinical testing. Allele origin: unknown.
Comment: This variant is considered benign. This variant is a silent/synonymous amino acid change and it is not expected to impact splicing.

Quest Diagnostics Nichols Institute San Juan Capistrano
Classification: Likely benign. Last evaluated: 2023-01-03. Review status: criteria provided, single submitter. Criteria: Quest Diagnostics criteria. Collection method: clinical testing. Allele origin: unknown.

GeneDx
Classification: Likely benign. Last evaluated: 2021-05-25. Review status: criteria provided, single submitter. Criteria: GeneDx Variant Classification Process June 2021. Collection method: clinical testing. Allele origin: germline. Affected: yes.

Sema4
Classification: Likely benign for Hereditary cancer-predisposing syndrome. Last evaluated: 2020-07-02. Review status: criteria provided, single submitter. Criteria: Sema4 Curation Guidelines. Collection method: curation. Allele origin: germline.

Ambry Genetics
Classification: Likely benign for Hereditary cancer-predisposing syndrome. Last evaluated: 2019-09-11. Review status: criteria provided, single submitter. Criteria: Ambry Variant Classification Scheme 2023. Collection method: clinical testing. Allele origin: germline.

Mendelics
Classification: Likely benign for Fanconi anemia complementation group O. Last evaluated: 2019-05-28. Review status: criteria provided, single submitter. Criteria: Mendelics Assertion Criteria 2017. Collection method: clinical testing. Allele origin: unknown.

Color Diagnostics, LLC DBA Color Health
Classification: Likely benign for Hereditary cancer-predisposing syndrome. Last evaluated: 2015-08-11. Review status: criteria provided, single submitter. Criteria: ACMG Guidelines, 2015. Collection method: clinical testing. Allele origin: germline.

Institute for Biomarker Research, Medical Diagnostic Laboratories, L.L.C.
Classification: Likely benign for Hereditary breast ovarian cancer syndrome. Last evaluated: 2021-09-27. Review status: no assertion criteria provided. Collection method: clinical testing. Allele origin: germline. Not counted in ClinVar's aggregate classification.

Counsyl
Classification: Likely benign for Fanconi anemia complementation group O. Last evaluated: 2016-11-02. Review status: no assertion criteria provided. Collection method: clinical testing. Allele origin: unknown. Not counted in ClinVar's aggregate classification.

Counsyl
Classification: Likely benign for Breast-ovarian cancer, familial, susceptibility to, 3. Last evaluated: 2016-11-02. Review status: no assertion criteria provided. Collection method: clinical testing. Allele origin: unknown. Not counted in ClinVar's aggregate classification.

Literature cited by the submitters: PubMed 26057125 (cited by Quest Diagnostics Nichols Institute San Juan Capistrano).